The following is an entry in ClinVar:

NM_000388.4(CASR):c.532A>G (p.Asn178Asp)

Gene: CASR (calcium sensing receptor; plus strand). Cytogenetic location: 3q21.1.
Variant type: single nucleotide variant.
Coding change: c.532A>G on transcript NM_000388.4 (MANE Select); coding-DNA position 532, A replaced by G.
Protein change: p.Asn178Asp; replaces asparagine 178 with aspartic acid.
Molecular consequence: missense variant.
Genome position (GRCh38, 1-based): chr3:122,261,567, A>G. VCF-style: chr3-122261567-A-G. GRCh37 (hg19) VCF-style: chr3-121980414-A-G.
Other names: c.532A>G, p.Asn178Asp (NM_001178065.2); short protein forms N178D.
Identifiers: ClinVar variation 410345 (VCV000410345.10), dbSNP rs1060502855, ClinGen allele CA16611083.

ClinVar aggregate classification (germline): Pathogenic/Likely pathogenic. Review status: criteria provided, multiple submitters, no conflicts (2 of 4 stars). 2 submissions from 2 submitters: Pathogenic (1); Likely pathogenic (1). Last evaluated 2025-03-16.

Conditions:
Autosomal dominant hypocalcemia 1 (HYPOC1). Also called: HYPOCALCEMIA, FAMILIAL. Identifiers: MedGen C3715128, MONDO:0011013, OMIM 601198.
Familial hypocalciuric hypercalcemia (FHH). Also called: Familial benign hypercalcemia. Identifiers: Orphanet 405, MedGen C1809471, MONDO:0018458.

Allele frequency attached by ClinVar (database versions not stated): gnomAD exomes below 0.00001.
gnomAD v4.1: 1 of 1,614,180 alleles (0.000062%); highest among the groups gnomAD compares: Non-Finnish European, 0.000085%; no homozygotes.

Submissions (2):

Labcorp Genetics (formerly Invitae), Labcorp
Classification: Pathogenic for Familial hypocalciuric hypercalcemia; Autosomal dominant hypocalcemia 1. Last evaluated: 2025-03-16. Review status: criteria provided, single submitter. Criteria: Invitae Variant Classification Sherloc (09022015). Collection method: clinical testing. Allele origin: germline.
Comment: This sequence change replaces asparagine, which is neutral and polar, with aspartic acid, which is acidic and polar, at codon 178 of the CASR protein (p.Asn178Asp). This variant is not present in population databases (gnomAD no frequency). This missense change has been observed in individuals with familial hypocalciuric hypercalcemia (PMID: 9039332; internal data). It has also been observed to segregate with disease in related individuals. Invitae Evidence Modeling of clinical and family history, age, sex, and reported ancestry of multiple individuals with this CASR variant has been performed. This variant is expected to be pathogenic with a positive predictive value of at least 99%. This is a validated machine learning model that incorporates the clinical features of 606,512 individuals referred to our laboratory for CASR testing. ClinVar contains an entry for this variant (Variation ID: 410345). An algorithm developed to predict the effect of missense changes on protein structure and function (PolyPhen-2) suggests that this variant is likely to be disruptive. Experimental studies have shown that this missense change affects CASR function (PMID: 8878438). For these reasons, this variant has been classified as Pathogenic.

Women's Health and Genetics/Laboratory Corporation of America, LabCorp
Classification: Likely pathogenic for Familial hypocalciuric hypercalcemia. Last evaluated: 2022-06-17. Review status: criteria provided, single submitter. Criteria: LabCorp Variant Classification Summary - May 2015. Collection method: clinical testing. Allele origin: germline.
Comment: Variant summary: CASR c.532A>G (p.Asn178Asp) results in a conservative amino acid change located in the Receptor, ligand binding region domain (IPR001828) of the encoded protein sequence. Three of five in-silico tools predict a damaging effect of the variant on protein function. The variant was absent in 251370 control chromosomes. c.532A>G has been reported in the literature in individuals affected with Familial Hypocalciuric Hypercalcemia (example, Pearce_1996). These data indicate that the variant may be associated with disease. At least one publication reports experimental evidence evaluating an impact on protein function. The most pronounced variant effect results in significantly increased EC50 and significantly reduced maximal Ca2+ i responses consistent with a loss of function mechanism of disease (example, Gorvin_2018). One clinical diagnostic laboratory has submitted clinical-significance assessments for this variant to ClinVar after 2014 without evidence for independent evaluation and classified the variant as likely pathogenic. Based on the evidence outlined above, the variant was classified as likely pathogenic.

Literature cited by the submitters: PubMed 9039332 (cited by Labcorp Genetics (formerly Invitae), Labcorp and Women's Health and Genetics/Laboratory Corporation of America, LabCorp); PubMed 8878438 (cited by Labcorp Genetics (formerly Invitae), Labcorp and Women's Health and Genetics/Laboratory Corporation of America, LabCorp); PubMed 11762699 (cited by Women's Health and Genetics/Laboratory Corporation of America, LabCorp); PubMed 12890593 (cited by Women's Health and Genetics/Laboratory Corporation of America, LabCorp); PubMed 17979873 (cited by Women's Health and Genetics/Laboratory Corporation of America, LabCorp); PubMed 9507434 (cited by Women's Health and Genetics/Laboratory Corporation of America, LabCorp); PubMed 19779033 (cited by Women's Health and Genetics/Laboratory Corporation of America, LabCorp); PubMed 30052933 (cited by Women's Health and Genetics/Laboratory Corporation of America, LabCorp).